The following is an entry in ClinVar:

ClinVar aggregate classification (germline): Uncertain significance (1 of 4 stars; one submission).

Submission:

GeneDx
Classification: Uncertain significance. Last evaluated: 2023-04-01. Review status: criteria provided, single submitter. Criteria: GeneDx Variant Classification Process June 2021. Collection method: clinical testing. Allele origin: germline. Affected: yes.
Comment: Not observed at significant frequency in large population cohorts (gnomAD); In silico analysis supports that this missense variant has a deleterious effect on protein structure/function; Has not been previously published as pathogenic or benign to our knowledge

NM_016188.5(ACTL6B):c.1171T>G (p.Trp391Gly)

Gene: ACTL6B (actin like 6B; minus strand). Cytogenetic location: 7q22.1.
Variant type: single nucleotide variant.
Coding change: c.1171T>G on transcript NM_016188.5 (MANE Select); coding-DNA position 1171, T replaced by G.
Protein change: p.Trp391Gly; replaces tryptophan 391 with glycine.
Molecular consequence: missense variant. On other transcripts: non-coding transcript variant (1).
Genome position (GRCh38, 1-based): chr7:100,646,278, A>C on the plus strand (T>G on the coding strand, the complement: ACTL6B is on the minus strand). VCF-style: chr7-100646278-A-C. GRCh37 (hg19) VCF-style: chr7-100243901-A-C.
Other names: short protein forms W391G.
Identifiers: ClinVar variation 2581726 (VCV002581726.1), dbSNP rs2486156339, ClinGen allele CA368541760.